The following is an entry in ClinVar:

ClinVar aggregate classification (germline): Benign/Likely benign. Review status: criteria provided, multiple submitters, no conflicts (2 of 4 stars). 5 submissions from 5 submitters: Benign (3); Likely benign (2). Last evaluated 2026-01-28.

Conditions:
T-B+ severe combined immunodeficiency due to JAK3 deficiency. Also called: SCID, T CELL-NEGATIVE, B CELL-POSITIVE, NK CELL-NEGATIVE; SCID, autosomal recessive, T-negative/B-positive type. Identifiers: Orphanet 35078, MedGen C1833275, MONDO:0010938, OMIM 600802.

Allele frequency attached by ClinVar (database versions not stated): gnomAD exomes 0.00030 and 0.00089; ExAC 0.00106; 1000 Genomes Project 0.00140; 1000 Genomes Project 30x 0.00172; gnomAD 0.00345 and 0.00372; ESP Exome Variant Server 0.00369; TOPMed 0.00404.
gnomAD v4.1: 1,002 of 1,614,132 alleles (0.062%); highest among the groups gnomAD compares: African/African-American, 1.1%; 6 homozygotes.

Submissions (5):

Labcorp Genetics (formerly Invitae), Labcorp
Classification: Benign for T-B+ severe combined immunodeficiency due to JAK3 deficiency. Last evaluated: 2026-01-28. Review status: criteria provided, single submitter. Criteria: Invitae Variant Classification Sherloc (09022015). Collection method: clinical testing. Allele origin: germline.

CeGaT Center for Human Genetics Tuebingen
Classification: Likely benign. Last evaluated: 2024-10-01. Review status: criteria provided, single submitter. Criteria: CeGaT Center For Human Genetics Tuebingen Variant Classification Criteria Version 2. Collection method: clinical testing. Allele origin: germline. Affected: yes. Observed: 1 variant allele.
Comment: JAK3: BP4, BP7, BS1

Blueprint Genetics
Classification: Likely benign. Last evaluated: 2024-09-13. Review status: criteria provided, single submitter. Criteria: ACMG Guidelines, 2015. Collection method: clinical testing. Allele origin: germline.

Illumina Laboratory Services, Illumina
Classification: Benign for T-B+ severe combined immunodeficiency due to JAK3 deficiency. Last evaluated: 2018-01-13. Review status: criteria provided, single submitter. Criteria: ICSL Variant Classification Criteria 13 December 2019. Collection method: clinical testing. Allele origin: germline.
Comment: This variant was observed in the ICSL laboratory as part of a predisposition screen in an ostensibly healthy population. It had not been previously curated by ICSL or reported in the Human Gene Mutation Database (HGMD: prior to June 1st, 2018), and was therefore a candidate for classification through an automated scoring system. Utilizing variant allele frequency, disease prevalence and penetrance estimates, and inheritance mode, an automated score was calculated to assess if this variant is too frequent to cause the disease. Based on the score and internal cut-off values, a variant classified as benign is not then subjected to further curation. The score for this variant resulted in a classification of benign for this disease.

Breakthrough Genomics
Classification: Benign. Review status: criteria provided, single submitter. Criteria: ACMG Guidelines, 2015. Collection method: not provided. Allele origin: germline. Inheritance: Autosomal recessive inheritance. Affected: yes.

NM_000215.4(JAK3):c.1548C>T (p.Ile516=)

Gene: JAK3 (Janus kinase 3; minus strand). Cytogenetic location: 19p13.11.
Variant type: single nucleotide variant.
Coding change: c.1548C>T on transcript NM_000215.4 (MANE Select); coding-DNA position 1548, C replaced by T.
Protein change: p.Ile516=; no amino-acid change (isoleucine 516 retained).
Molecular consequence: synonymous variant.
Genome position (GRCh38, 1-based): chr19:17,838,284, G>A on the plus strand (C>T on the coding strand, the complement: JAK3 is on the minus strand). VCF-style: chr19-17838284-G-A. GRCh37 (hg19) VCF-style: chr19-17949093-G-A.
Identifiers: ClinVar variation 328516 (VCV000328516.32), dbSNP rs144203232, ClinGen allele CA9301866.
Genomic context (GRCh38, chr19:17,838,284, plus strand): 5'-CCAGACTGAGGTATCGCCTCATTTCCCAGGGCCTCTTACCCACTCCAGGCTGTCAGCAGG[G>A]ATCTTGTGAAATGTCATCTGACTCAGCTGGTATTGGGATTGGGGCTGAACCAAGGATGAT-3'
Protein context (NP_000206.2, residues 506-526): YQLSQMTFHK[Ile516=]PADSLEWHEN